The following is an entry in ClinVar:

ClinVar aggregate classification (germline): Likely benign. Review status: criteria provided, multiple submitters, no conflicts (2 of 4 stars). 5 submissions from 5 submitters: Likely benign (5). Last evaluated 2026-01-21.

Conditions:
SYNJ1-related disorder. Also called: SYNJ1-related condition.
Developmental and epileptic encephalopathy, 53. Also called: Epileptic encephalopathy, early infantile, 53. Identifiers: MedGen C4479313, MONDO:0033362, OMIM 617389.
Early-onset Parkinson disease 20. Also called: PARKINSON DISEASE 20, AUTOSOMAL RECESSIVE EARLY-ONSET. Identifiers: Orphanet 391411, MedGen C3809824, MONDO:0014233, OMIM 615530.

Allele frequency attached by ClinVar (database versions not stated): ESP Exome Variant Server 0.00015; 1000 Genomes Project 30x 0.00016; 1000 Genomes Project 0.00020; ExAC 0.00024; gnomAD exomes 0.00024 and 0.00029; gnomAD 0.00026; TOPMed 0.00041.
gnomAD v4.1: 388 of 1,549,554 alleles (0.025%); highest among the groups gnomAD compares: Middle Eastern, 0.35%; no homozygotes.

Submissions (5):

Labcorp Genetics (formerly Invitae), Labcorp
Classification: Likely benign for Developmental and epileptic encephalopathy, 53; Early-onset Parkinson disease 20. Last evaluated: 2026-01-21. Review status: criteria provided, single submitter. Criteria: Invitae Variant Classification Sherloc (09022015). Collection method: clinical testing. Allele origin: germline.

PreventionGenetics, part of Exact Sciences
Classification: Likely benign for SYNJ1-related condition. Last evaluated: 2025-06-12. Review status: criteria provided, single submitter. Criteria: ACMG Guidelines, 2015. Collection method: clinical testing. Allele origin: germline.
Comment: This variant is classified as likely benign based on ACMG/AMP sequence variant interpretation guidelines (Richards et al. 2015 PMID: 25741868, with internal and published modifications).

Mayo Clinic Laboratories, Mayo Clinic
Classification: Likely benign. Last evaluated: 2025-03-26. Review status: criteria provided, single submitter. Criteria: ACMG Guidelines, 2015. Collection method: clinical testing. Allele origin: germline. Observed: 3 variant alleles.
Comment: BS1, BP4, BP7

Blueprint Genetics
Classification: Likely benign. Last evaluated: 2024-11-25. Review status: criteria provided, single submitter. Criteria: ACMG Guidelines, 2015. Collection method: clinical testing. Allele origin: germline.

CeGaT Center for Human Genetics Tuebingen
Classification: Likely benign. Last evaluated: 2022-02-01. Review status: criteria provided, single submitter. Criteria: CeGaT Center For Human Genetics Tuebingen Variant Classification Criteria Version 2. Collection method: clinical testing. Allele origin: germline. Affected: yes. Observed: 2 variant alleles.

NM_203446.3(SYNJ1):c.909A>G (p.Gly303=)

Gene: SYNJ1 (synaptojanin 1; minus strand). Cytogenetic location: 21q22.11.
Variant type: single nucleotide variant.
Coding change: c.909A>G on transcript NM_203446.3 (MANE Select); coding-DNA position 909, A replaced by G.
Protein change: p.Gly303=; no amino-acid change (glycine 303 retained).
Molecular consequence: synonymous variant.
Genome position (GRCh38, 1-based): chr21:32,687,017, T>C on the plus strand (A>G on the coding strand, the complement: SYNJ1 is on the minus strand). VCF-style: chr21-32687017-T-C. GRCh37 (hg19) VCF-style: chr21-34059327-T-C.
Other names: p.Gly342=; c.909A>G, p.Gly303= (NM_001160302.2, NM_001160306.2); c.1026A>G, p.Gly342= (NM_003895.4).
Identifiers: ClinVar variation 478316 (VCV000478316.48), dbSNP rs145522240, ClinGen allele CA10004004.
Genomic context (GRCh38, chr21:32,687,017, plus strand): 5'-ATAAGAAATGACCATACTTACCTGGAAAGCTTTACTTAGCATATGTTCACCTTCCTTAGA[T>C]CCAAGCAAATTTACTATTATTTGTTTACCATATAAGTTCTTAAGTGTTCTAAAATGCCTA-3'
Protein context (NP_982271.3, residues 293-313): YGKQIIVNLL[Gly303=]SKEGEHMLSK